The following continues an entry in ClinVar:

NM_000243.3(MEFV):c.442G>C (p.Glu148Gln)

Gene: MEFV. ClinVar aggregate classification (germline): Conflicting classifications of pathogenicity. Pathogenic (1); Uncertain significance (17); Benign (6); Likely benign (9).

Submissions 40 to 44 of 44:

Diagnostic Laboratory, Department of Genetics, University Medical Center Groningen
Classification: Uncertain significance. Review status: no assertion criteria provided. Collection method: clinical testing. Allele origin: germline. Affected: yes. Study: VKGL Data-share Consensus. Not counted in ClinVar's aggregate classification.

GeneReviews
No classification provided. Condition: Familial Mediterranean fever. Review status: no classification provided. Collection method: literature only. Allele origin: germline. Affected: yes. Not counted in ClinVar's aggregate classification.

Genome Diagnostics Laboratory, University Medical Center Utrecht
Classification: Uncertain significance. Review status: no assertion criteria provided. Collection method: clinical testing. Allele origin: germline. Affected: yes. Study: VKGL Data-share Consensus. Not counted in ClinVar's aggregate classification.

Joint Genome Diagnostic Labs from Nijmegen and Maastricht, Radboudumc and MUMC+
Classification: Uncertain significance. Review status: no assertion criteria provided. Collection method: clinical testing. Allele origin: germline. Affected: yes. Study: VKGL Data-share Consensus. Not counted in ClinVar's aggregate classification.

Clinical Genetics and Genomics, Karolinska University Hospital
Classification: Pathogenic. Last evaluated: 2014-06-26. Review status: flagged submission. Criteria: ACMG Guidelines, 2015. Collection method: clinical testing. Allele origin: germline. Affected: yes. Observed: 25 variant alleles. Not counted in ClinVar's aggregate classification.
ClinVar note: Reason: Outlier claim with insufficient supporting evidence

Literature cited by the submitters: PubMed 11938447 (cited by 3 submitters); PubMed 15717684 (cited by Labcorp Genetics (formerly Invitae), Labcorp and GeneReviews); PubMed 15458961 (cited by Labcorp Genetics (formerly Invitae), Labcorp and Women's Health and Genetics/Laboratory Corporation of America, LabCorp); PubMed 18662100 (cited by Labcorp Genetics (formerly Invitae), Labcorp and GeneReviews); PubMed 19820229 (cited by 3 submitters); PubMed 24797171 (cited by Labcorp Genetics (formerly Invitae), Labcorp and Quest Diagnostics Nichols Institute San Juan Capistrano); PubMed 26215181 (cited by Labcorp Genetics (formerly Invitae), Labcorp); PubMed 12955725 (cited by 5 submitters); PubMed 23907647 (cited by Labcorp Genetics (formerly Invitae), Labcorp and Quest Diagnostics Nichols Institute San Juan Capistrano); PubMed 19929404 (cited by Labcorp Genetics (formerly Invitae), Labcorp); PubMed 10090880 (cited by 5 submitters); PubMed 10737995 (cited by 5 submitters); PubMed 23844200 (cited by Labcorp Genetics (formerly Invitae), Labcorp and Quest Diagnostics Nichols Institute San Juan Capistrano); PubMed 16439437 (cited by 3 submitters); PubMed 24318677 (cited by 3 submitters); PubMed 32312770 (cited by Labcorp Genetics (formerly Invitae), Labcorp and Women's Health and Genetics/Laboratory Corporation of America, LabCorp); PubMed 11464238 (cited by Women's Health and Genetics/Laboratory Corporation of America, LabCorp); PubMed 20534143 (cited by Women's Health and Genetics/Laboratory Corporation of America, LabCorp); PubMed 9668175 (cited by 4 submitters); PubMed 18097735 (cited by Women's Health and Genetics/Laboratory Corporation of America, LabCorp); PubMed 21598804 (cited by Women's Health and Genetics/Laboratory Corporation of America, LabCorp and Quest Diagnostics Nichols Institute San Juan Capistrano); PubMed 25073670 (cited by Women's Health and Genetics/Laboratory Corporation of America, LabCorp); PubMed 24433404 (cited by Women's Health and Genetics/Laboratory Corporation of America, LabCorp); PubMed 25261100 (cited by Women's Health and Genetics/Laboratory Corporation of America, LabCorp); PubMed 25393764 (cited by Women's Health and Genetics/Laboratory Corporation of America, LabCorp); PubMed 25866490 (cited by Women's Health and Genetics/Laboratory Corporation of America, LabCorp); PubMed 26131005 (cited by Women's Health and Genetics/Laboratory Corporation of America, LabCorp); PubMed 27457448 (cited by Women's Health and Genetics/Laboratory Corporation of America, LabCorp); PubMed 29080837 (cited by Women's Health and Genetics/Laboratory Corporation of America, LabCorp); PubMed 29599418 (cited by Women's Health and Genetics/Laboratory Corporation of America, LabCorp); PubMed 29314707 (cited by Women's Health and Genetics/Laboratory Corporation of America, LabCorp); PubMed 32741030 (cited by Women's Health and Genetics/Laboratory Corporation of America, LabCorp and Center for Genomic Medicine, Rigshospitalet, Copenhagen University Hospital); PubMed 33497256 (cited by Women's Health and Genetics/Laboratory Corporation of America, LabCorp); PubMed 30915208 (cited by Women's Health and Genetics/Laboratory Corporation of America, LabCorp); PubMed 15024140 (cited by Women's Health and Genetics/Laboratory Corporation of America, LabCorp); PubMed 33560333 (cited by Women's Health and Genetics/Laboratory Corporation of America, LabCorp); PubMed 35780723 (cited by Women's Health and Genetics/Laboratory Corporation of America, LabCorp); PubMed 35490273 (cited by Women's Health and Genetics/Laboratory Corporation of America, LabCorp); PubMed 37481715 (cited by Women's Health and Genetics/Laboratory Corporation of America, LabCorp and Mayo Clinic Laboratories, Mayo Clinic); PubMed 34441808 (cited by Center for Genomic Medicine, Rigshospitalet, Copenhagen University Hospital); PubMed 35096640 (cited by Mayo Clinic Laboratories, Mayo Clinic); PubMed 35178266 (cited by Mayo Clinic Laboratories, Mayo Clinic); PubMed 36583259 (cited by Mayo Clinic Laboratories, Mayo Clinic); PubMed 36703223 (cited by Mayo Clinic Laboratories, Mayo Clinic); PubMed 39143349 (cited by Mayo Clinic Laboratories, Mayo Clinic); PubMed 33715276 (cited by Institute of Human Genetics, University of Leipzig Medical Center); PubMed 11588211 (cited by Quest Diagnostics Nichols Institute San Juan Capistrano and Eurofins Ntd Llc (ga)); PubMed 15805719 (cited by Quest Diagnostics Nichols Institute San Juan Capistrano); PubMed 20041150 (cited by Quest Diagnostics Nichols Institute San Juan Capistrano); PubMed 20669279 (cited by Quest Diagnostics Nichols Institute San Juan Capistrano); PubMed 20602240 (cited by Quest Diagnostics Nichols Institute San Juan Capistrano); PubMed 20890251 (cited by Quest Diagnostics Nichols Institute San Juan Capistrano); PubMed 20437121 (cited by Quest Diagnostics Nichols Institute San Juan Capistrano); PubMed 19967574 (cited by Quest Diagnostics Nichols Institute San Juan Capistrano); PubMed 20483145 (cited by Quest Diagnostics Nichols Institute San Juan Capistrano); PubMed 21995303 (cited by Quest Diagnostics Nichols Institute San Juan Capistrano); PubMed 22532615 (cited by Quest Diagnostics Nichols Institute San Juan Capistrano); PubMed 23588594 (cited by Quest Diagnostics Nichols Institute San Juan Capistrano); PubMed 22261745 (cited by Quest Diagnostics Nichols Institute San Juan Capistrano); PubMed 24082139 (cited by Quest Diagnostics Nichols Institute San Juan Capistrano); PubMed 23400211 (cited by Quest Diagnostics Nichols Institute San Juan Capistrano); PubMed 23592051 (cited by Quest Diagnostics Nichols Institute San Juan Capistrano); PubMed 23973724 (cited by Quest Diagnostics Nichols Institute San Juan Capistrano); PubMed 24965843 (cited by Quest Diagnostics Nichols Institute San Juan Capistrano); PubMed 25959027 (cited by Quest Diagnostics Nichols Institute San Juan Capistrano); PubMed 26360812 (cited by Quest Diagnostics Nichols Institute San Juan Capistrano); PubMed 26537665 (cited by Quest Diagnostics Nichols Institute San Juan Capistrano); PubMed 24289199 (cited by Quest Diagnostics Nichols Institute San Juan Capistrano); PubMed 27364639 (cited by Quest Diagnostics Nichols Institute San Juan Capistrano); PubMed 27994174 (cited by Quest Diagnostics Nichols Institute San Juan Capistrano); PubMed 28573371 (cited by Quest Diagnostics Nichols Institute San Juan Capistrano); PubMed 28001092 (cited by Quest Diagnostics Nichols Institute San Juan Capistrano); PubMed 28927886 (cited by Quest Diagnostics Nichols Institute San Juan Capistrano); PubMed 21358337 (cited by Eurofins Ntd Llc (ga)); PubMed 20301405 (cited by Illumina Laboratory Services, Illumina); PubMed 11903360 (cited by OMIM); PubMed 7677151 (cited by OMIM); PubMed 11464248 (cited by OMIM); PubMed 31204589 (cited by OMIM); PubMed 10854115 (cited by GeneReviews); PubMed 5458961 (cited by GeneReviews); PubMed 18328141 (cited by GeneReviews); PubMed 16627024 (cited by GeneReviews); NCBI Bookshelf NBK1227 (cited by GeneReviews).